The following is an entry in ClinVar:

ClinVar aggregate classification (germline): Likely benign (0 of 4 stars; one submission).

Conditions:
TNIK-related disorder. Also called: TNIK-related condition.

Submission:

PreventionGenetics, part of Exact Sciences
Classification: Likely benign for TNIK-related condition. Last evaluated: 2019-10-30. Review status: no assertion criteria provided. Collection method: clinical testing. Allele origin: germline.
Comment: This variant is classified as likely benign based on ACMG/AMP sequence variant interpretation guidelines (Richards et al. 2015 PMID: 25741868, with internal and published modifications).

NM_015028.4(TNIK):c.181-12_181-10del

Gene: TNIK (TRAF2 and NCK interacting kinase; minus strand). Cytogenetic location: 3q26.31.
Variant type: Deletion.
Coding change: c.181-12_181-10del on transcript NM_015028.4 (MANE Select); 12 bases into the intron before coding-DNA position 181 through 10 bases into the intron before coding-DNA position 181, 3 bases deleted (GTT; older notation c.181-12_181-10delGTT).
Molecular consequence: intron variant.
Genome position (GRCh38, 1-based): chr3:171,211,251-171,211,253, AAC deleted on the plus strand (GTT on the coding strand, the reverse complement: TNIK is on the minus strand); deleting any 3 consecutive bases within chr3:171,211,251-171,211,255 gives the same sequence; the c. name uses the placement nearest the transcript's 3' end. VCF-style (leftmost placement, unchanged base first): chr3-171211250-GAAC-G. GRCh37 (hg19) VCF-style: chr3-170929039-GAAC-G.
Other names: c.181-12_181-10del (NM_001161566.3, NM_001161565.3, NM_001161562.3 and 4 more transcripts).
Identifiers: ClinVar variation 3045335 (VCV003045335.2), dbSNP rs539895612, ClinGen allele CA2703879.